The following is an entry in ClinVar:

NM_000059.4(BRCA2):c.4537G>A (p.Asp1513Asn)

Gene: BRCA2 (BRCA2 DNA repair associated; plus strand). Cytogenetic location: 13q13.1.
Variant type: single nucleotide variant.
Coding change: c.4537G>A on transcript NM_000059.4 (MANE Select); coding-DNA position 4537, G replaced by A.
Protein change: p.Asp1513Asn; replaces aspartic acid 1513 with asparagine.
Molecular consequence: missense variant.
Genome position (GRCh38, 1-based): chr13:32,338,892, G>A. VCF-style: chr13-32338892-G-A. GRCh37 (hg19) VCF-style: chr13-32913029-G-A.
Other names: short protein forms D1513N.
Identifiers: ClinVar variation 51664 (VCV000051664.19), dbSNP rs80358687, ClinGen allele CA020363.

ClinVar aggregate classification (germline): Conflicting classifications of pathogenicity. Review status: criteria provided, conflicting classifications (1 of 4 stars). 6 submissions from 6 submitters: Uncertain significance (3); Likely benign (2). 1 of the submissions does not count toward it. Last evaluated 2026-07-15.

Conditions:
Hereditary cancer-predisposing syndrome. Also called: Neoplastic Syndromes, Hereditary; Hereditary neoplastic syndrome; Hereditary Cancer Syndrome; Tumor predisposition. Identifiers: Orphanet 140162, MedGen C0027672, MeSH D009386, MONDO:0015356.
Hereditary breast ovarian cancer syndrome. Also called: BRCA1- and BRCA2-Associated Hereditary Breast and Ovarian Cancer; Hereditary breast and ovarian cancer syndrome (HBOC); Hereditary breast and ovarian cancer syndrome; Hereditary breast and/or ovarian cancer syndrome; Breast and ovarian cancer; Hereditary breast and ovarian cancer. Identifiers: Orphanet 145, MedGen C0677776, MeSH D061325, MONDO:0003582. Disease mechanism: loss of function.
Breast-ovarian cancer, familial, susceptibility to, 2 (BROVCA2). Also called: BRCA2 Hereditary Breast and Ovarian Cancer. Identifiers: Orphanet 145, MedGen C2675520, MONDO:0012933, OMIM 612555. Disease mechanism: loss of function.

Submissions (6):

Ambry Genetics
Classification: Likely benign for Hereditary cancer-predisposing syndrome. Last evaluated: 2026-07-15. Review status: criteria provided, single submitter. Criteria: Ambry Variant Classification Scheme 2023. Collection method: clinical testing. Allele origin: germline.

Labcorp Genetics (formerly Invitae), Labcorp
Classification: Uncertain significance for Hereditary breast ovarian cancer syndrome. Last evaluated: 2025-09-30. Review status: criteria provided, single submitter. Criteria: Invitae Variant Classification Sherloc (09022015). Collection method: clinical testing. Allele origin: germline.
Comment: This sequence change replaces aspartic acid, which is acidic and polar, with asparagine, which is neutral and polar, at codon 1513 of the BRCA2 protein (p.Asp1513Asn). This variant is not present in population databases (gnomAD no frequency). This missense change has been observed in individual(s) with clinical features of BRCA2-related conditions (PMID: 10923033, 21520333). ClinVar contains an entry for this variant (Variation ID: 51664). Invitae Evidence Modeling of protein sequence and biophysical properties (such as structural, functional, and spatial information, amino acid conservation, physicochemical variation, residue mobility, and thermodynamic stability) indicates that this missense variant is not expected to disrupt BRCA2 protein function with a negative predictive value of 95%. In summary, the available evidence is currently insufficient to determine the role of this variant in disease. Therefore, it has been classified as a Variant of Uncertain Significance.

Quest Diagnostics Nichols Institute San Juan Capistrano
Classification: Uncertain significance. Last evaluated: 2024-04-15. Review status: criteria provided, single submitter. Criteria: Quest Diagnostics criteria. Collection method: clinical testing. Allele origin: unknown.
Comment: The BRCA2 c.4537G>A (p.Asp1513Asn) variant has been reported in the published literature in a cohort of hereditary breast/ovarian (HBOC) families and reportedly healthy individuals (PMID: 9971877 (1999)), and described to be located in a region of the BRCA2 gene that is tolerant to missense sequence changes (PMID: 31911673 (2020)). This variant has not been reported in large, multi-ethnic general populations (Genome Aggregation Database). Analysis of this variant using bioinformatics tools for the prediction of the effect of amino acid changes on protein structure and function yielded predictions that this variant is benign. Based on the available information, we are unable to determine the clinical significance of this variant.

University of Washington Department of Laboratory Medicine, University of Washington
Classification: Likely benign for Hereditary cancer-predisposing syndrome. Last evaluated: 2023-03-23. Review status: criteria provided, single submitter. Criteria: Dines et al. (Genet Med. 2020). Collection method: curation. Allele origin: germline.
Comment: Missense variant in a coldspot region where missense variants are very unlikely to be pathogenic (PMID:31911673).

BRCA2 exon 11 coldspot. Reclassification based on statistical prior probability.

Color Diagnostics, LLC DBA Color Health
Classification: Uncertain significance for Hereditary cancer-predisposing syndrome. Last evaluated: 2022-02-01. Review status: criteria provided, single submitter. Criteria: ACMG Guidelines, 2015. Collection method: clinical testing. Allele origin: germline.
Comment: This missense variant replaces aspartic acid with asparagine at codon 1513 of the BRCA2 protein. Computational prediction suggests that this variant may not impact protein structure and function (internally defined REVEL score threshold <= 0.5, PMID: 27666373). To our knowledge, functional studies have not been reported for this variant. This variant has not been reported in individuals affected with hereditary cancer in the literature. This variant has not been identified in the general population by the Genome Aggregation Database (gnomAD). The available evidence is insufficient to determine the role of this variant in disease conclusively. Therefore, this variant is classified as a Variant of Uncertain Significance.

Breast Cancer Information Core (BIC) (BRCA2)
Classification: Uncertain significance for Breast-ovarian cancer, familial 2. Last evaluated: 1998-11-30. Review status: no assertion criteria provided. Collection method: clinical testing. Allele origin: germline. Affected: yes. Observed: 1 variant allele. Not counted in ClinVar's aggregate classification.

Literature cited by the submitters: PubMed 10923033 (cited by Labcorp Genetics (formerly Invitae), Labcorp); PubMed 21520333 (cited by Labcorp Genetics (formerly Invitae), Labcorp); PubMed 9971877 (cited by Quest Diagnostics Nichols Institute San Juan Capistrano); PubMed 31911673 (cited by Quest Diagnostics Nichols Institute San Juan Capistrano).